The following is an entry in ClinVar:

ClinVar aggregate classification (germline): Uncertain significance (1 of 4 stars; one submission).

Conditions:
Von Hippel-Lindau syndrome (VHLS). Also called: von Hippel–Lindau syndrome; VHL syndrome; Von Hippel-Lindau. Identifiers: Orphanet 892, MedGen C0019562, MONDO:0008667, OMIM 193300. Disease mechanism: loss of function.
Chuvash polycythemia. Also called: POLYCYTHEMIA, VHL-DEPENDENT. Identifiers: Orphanet 238557, MedGen C1837915, MONDO:0009892, OMIM 263400.

Submission:

Labcorp Genetics (formerly Invitae), Labcorp
Classification: Uncertain significance for Von Hippel-Lindau syndrome; Chuvash polycythemia. Last evaluated: 2023-07-10. Review status: criteria provided, single submitter. Criteria: Invitae Variant Classification Sherloc (09022015). Collection method: clinical testing. Allele origin: germline.
Comment: This variant has not been reported in the literature in individuals affected with VHL-related conditions. This sequence change replaces isoleucine, which is neutral and non-polar, with leucine, which is neutral and non-polar, at codon 180 of the VHL protein (p.Ile180Leu). This variant is not present in population databases (gnomAD no frequency). Advanced modeling of protein sequence and biophysical properties (such as structural, functional, and spatial information, amino acid conservation, physicochemical variation, residue mobility, and thermodynamic stability) performed at Invitae indicates that this missense variant is expected to disrupt VHL protein function. In summary, the available evidence is currently insufficient to determine the role of this variant in disease. Therefore, it has been classified as a Variant of Uncertain Significance.

NM_000551.4(VHL):c.538A>C (p.Ile180Leu)

Genes: VHL (von Hippel-Lindau tumor suppressor; plus strand), LOC107303340 (3p25 von Hippel-Lindau tumor suppressor, E3 ubiquitin protein ligase Alu-mediated recombination region; plus strand). Cytogenetic location: 3p25.3.
Variant type: single nucleotide variant.
Coding change: c.538A>C on transcript NM_000551.4 (MANE Select); coding-DNA position 538, A replaced by C.
Protein change: p.Ile180Leu; replaces isoleucine 180 with leucine.
Molecular consequence: missense variant. On other transcripts: 3 prime UTR variant (1), non-coding transcript variant (1).
Genome position (GRCh38, 1-based): chr3:10,149,861, A>C. VCF-style: chr3-10149861-A-C. GRCh37 (hg19) VCF-style: chr3-10191545-A-C.
Other names: c.*92A>C (NM_001354723.2); c.415A>C, p.Ile139Leu (NM_198156.3); short protein forms I139L, I180L.
Identifiers: ClinVar variation 2946037 (VCV002946037.3), dbSNP rs377715747, ClinGen allele CA351756270.